The following is an entry in ClinVar:

ClinVar aggregate classification (germline): Uncertain significance (1 of 4 stars; one submission).

Submission:

Women's Health and Genetics/Laboratory Corporation of America, LabCorp
Classification: Uncertain significance. Last evaluated: 2025-02-10. Review status: criteria provided, single submitter. Criteria: LabCorp Variant Classification Summary - May 2015. Collection method: clinical testing. Allele origin: germline.
Comment: Variant summary: TTN c.90337G>C (p.Gly30113Arg) results in a non-conservative amino acid change in the encoded protein sequence. Two of three in-silico tools predict a damaging effect of the variant on protein function. The variant was absent in 247980 control chromosomes. The available data on variant occurrences in the general population are insufficient to allow any conclusion about variant significance. To our knowledge, no occurrence of c.90337G>C in individuals affected with Dilated Cardiomyopathy and no experimental evidence demonstrating its impact on protein function have been reported. No submitters have cited clinical-significance assessments for this variant to ClinVar. Based on the evidence outlined above, the variant was classified as uncertain significance.

NM_001267550.2(TTN):c.98041G>C (p.Gly32681Arg)

Genes: TTN (titin; minus strand), TTN-AS1 (TTN antisense RNA 1; plus strand). Cytogenetic location: 2q31.2.
Variant type: single nucleotide variant.
Coding change: c.98041G>C on transcript NM_001267550.2 (MANE Select); coding-DNA position 98041, G replaced by C.
Protein change: p.Gly32681Arg; replaces glycine 32681 with arginine.
Molecular consequence: missense variant. On other transcripts: non-coding transcript variant (1).
Genome position (GRCh38, 1-based): chr2:178,540,125, C>G on the plus strand (G>C on the coding strand, the complement: TTN is on the minus strand). VCF-style: chr2-178540125-C-G. GRCh37 (hg19) VCF-style: chr2-179404852-C-G.
Other names: c.93118G>C, p.Gly31040Arg (NM_001256850.1); c.70846G>C, p.Gly23616Arg (NM_003319.4); c.90337G>C, p.Gly30113Arg (NM_133378.4); c.71221G>C, p.Gly23741Arg (NM_133432.3); c.71422G>C, p.Gly23808Arg (NM_133437.4); short protein forms G23616R, G23741R, G23808R, G30113R, G31040R, G32681R.
Identifiers: ClinVar variation 3768666 (VCV003768666.1).
Genomic context (GRCh38, chr2:178,540,125, plus strand): 5'-CACCAAGCATTTCAGTGACTTTGACTGTTCCTGGTACCTCAGCAGGCTCACCAGGTCCAC[C>G]AGCATTACAAGCTAGGACGCGGAACCTGTATTCTGCACCCTGAGGTAGGTGTGTTAGAGT-3'
Protein context (NP_001254479.2, residues 32671-32691): YRFRVLACNA[Gly32681Arg]GPGEPAEVPG